The following is an entry in ClinVar:

NM_004423.4(DVL3):c.-6A>G

Gene: DVL3 (dishevelled segment polarity protein 3; plus strand). Cytogenetic location: 3q27.1.
Variant type: single nucleotide variant.
Coding change: c.-6A>G on transcript NM_004423.4 (MANE Select); 6 bases upstream of the start codon, A replaced by G.
Molecular consequence: 5 prime UTR variant.
Genome position (GRCh38, 1-based): chr3:184,155,630, A>G. VCF-style: chr3-184155630-A-G. GRCh37 (hg19) VCF-style: chr3-183873418-A-G.
Identifiers: ClinVar variation 2654304 (VCV002654304.24), dbSNP rs2109016705, ClinGen allele CA2554243499.

ClinVar aggregate classification (germline): Uncertain significance (1 of 4 stars; one submission).

Allele frequency attached by ClinVar (database versions not stated): gnomAD exomes below 0.00001.
gnomAD v4.1: 3 of 1,519,400 alleles (0.0002%); highest among the groups gnomAD compares: African/African-American, 0.0014%; no homozygotes.

Submission:

CeGaT Center for Human Genetics Tuebingen
Classification: Uncertain significance. Last evaluated: 2022-07-01. Review status: criteria provided, single submitter. Criteria: CeGaT Center For Human Genetics Tuebingen Variant Classification Criteria Version 2. Collection method: clinical testing. Allele origin: germline. Affected: yes. Observed: 1 variant allele.
Comment: DVL3: PM2, BP4